The following is an entry in ClinVar:

NM_001111.5(ADAR):c.1103A>G (p.Asn368Ser)

Gene: ADAR (adenosine deaminase RNA specific; minus strand). Cytogenetic location: 1q21.3.
Variant type: single nucleotide variant.
Coding change: c.1103A>G on transcript NM_001111.5 (MANE Select); coding-DNA position 1103, A replaced by G.
Protein change: p.Asn368Ser; replaces asparagine 368 with serine.
Molecular consequence: missense variant.
Genome position (GRCh38, 1-based): chr1:154,601,539, T>C on the plus strand (A>G on the coding strand, the complement: ADAR is on the minus strand). VCF-style: chr1-154601539-T-C. GRCh37 (hg19) VCF-style: chr1-154574015-T-C.
Other names: c.218A>G, p.Asn73Ser (NM_001025107.3, NM_001193495.2, NM_001365046.1 and 3 more transcripts); c.1130A>G, p.Asn377Ser (NM_001365045.1); c.1103A>G, p.Asn368Ser (NM_015840.4, NM_015841.4); short protein forms N368S, N377S, N73S.
Identifiers: ClinVar variation 1718182 (VCV001718182.5), dbSNP rs1553213121, ClinGen allele CA342598669.
Genomic context (GRCh38, chr1:154,601,539, plus strand): 5'-TCTGCGTTTCTTTTGGTCTCAGGGATTGCAGCTGGAGCGGTTTCAGGAACACTGTTCGTA[T>C]TTCTCTTGATTTGCATCCTCTCTCGCTTCTTGTCTGTCAAATGCCATATGGGAGGGGTTG-3'
Protein context (NP_001102.3, residues 358-378): KKRERMQIKR[Asn368Ser]TNSVPETAPA

ClinVar aggregate classification (germline): Uncertain significance (1 of 4 stars; one submission).

Conditions:
Symmetrical dyschromatosis of extremities (DSH). Also called: DYSCHROMATOSIS SYMMETRICA HEREDITARIA 1; RETICULATE ACROPIGMENTATION OF DOHI; SYMMETRIC DYSCHROMATOSIS OF THE EXTREMITIES; Dyschromatosis symmetrica hereditaria. Identifiers: Orphanet 41, MedGen C0406775, MONDO:0007483, OMIM 127400.
Aicardi-Goutieres syndrome 6 (AGS6). Identifiers: Orphanet 51, MedGen C3539013, MONDO:0014007, OMIM 615010.

Submission:

Labcorp Genetics (formerly Invitae), Labcorp
Classification: Uncertain significance for Aicardi-Goutieres syndrome 6; Symmetrical dyschromatosis of extremities. Last evaluated: 2022-08-27. Review status: criteria provided, single submitter. Criteria: Invitae Variant Classification Sherloc (09022015). Collection method: clinical testing. Allele origin: germline.
Comment: This variant has not been reported in the literature in individuals affected with ADAR-related conditions. Algorithms developed to predict the effect of missense changes on protein structure and function output the following: SIFT: "Tolerated"; PolyPhen-2: "Benign"; Align-GVGD: "Class C0". The serine amino acid residue is found in multiple mammalian species, which suggests that this missense change does not adversely affect protein function. In summary, the available evidence is currently insufficient to determine the role of this variant in disease. Therefore, it has been classified as a Variant of Uncertain Significance. This sequence change replaces asparagine, which is neutral and polar, with serine, which is neutral and polar, at codon 368 of the ADAR protein (p.Asn368Ser). This variant is not present in population databases (gnomAD no frequency).